The following is an entry in ClinVar:

ClinVar aggregate classification (germline): Uncertain significance (1 of 4 stars; one submission).

Submission:

Labcorp Genetics (formerly Invitae), Labcorp
Classification: Uncertain significance. Last evaluated: 2022-10-18. Review status: criteria provided, single submitter. Criteria: Invitae Variant Classification Sherloc (09022015). Collection method: clinical testing. Allele origin: germline.
Comment: This variant results in a copy number gain of the genomic region encompassing exon(s) 13-14 of the CERKL gene. This region includes the initiator codon of the gene. This copy number gain extends beyond the assayed region for this gene and therefore may encompass additional genes. As the precise location of this event is unknown, it may be in tandem or it may be located elsewhere in the genome. This variant has not been reported in the literature in individuals affected with CERKL-related conditions. In summary, the available evidence is currently insufficient to determine the role of this variant in disease. Therefore, it has been classified as a Variant of Uncertain Significance.

NC_000002.12:g.(?_181478757)_(181539264_?)dup

Genes: CERKL (ceramide kinase like; minus strand), ITGA4 (integrin subunit alpha 4; plus strand). Cytogenetic location: 2q31.3.
Variant type: Duplication.
Identifiers: ClinVar variation 830894 (VCV000830894.2).